The following is an entry in ClinVar:

ClinVar aggregate classification (germline): Uncertain significance (1 of 4 stars; one submission).

Submission:

Laboratory for Molecular Medicine, Mass General Brigham Personalized Medicine
Classification: Uncertain significance. Last evaluated: 2014-07-31. Review status: criteria provided, single submitter. Criteria: LMM Criteria. Collection method: clinical testing. Allele origin: germline. Observed: 2 variant alleles.
Comment: It is unknown if that gain extended beyond the HRAS gene. Additionally, copy number gains of a r egion encompassing HRAS and 12 other genes have been reported in 3 individuals w ith congenital heart defects (1 individual with coarctation of aorta who had Tur ner syndrome, 1 individual with double inlet left ventricle, and 1 individual wi th subaortic stenosis). These copy number gains have not been identified in 5812 control individuals (Tomita-Mitchell, 2012). The exact breakpoints of this HRAS whole gene duplication are not known and the duplication may extend well beyond the HRAS gene. Gain of function in HRAS is an established disease mechanism for Costello syndrome, though the functional impact of a whole gene duplication rem ains unclear. In summary, the clinical significance of this duplication is uncer tain.

Literature cited by the submitters: PubMed 22318994.

NC_000011.9:g.(?_532631)_(534375_?)dup

Genes: HRAS (HRas proto-oncogene, GTPase; minus strand), LRRC56 (leucine rich repeat containing 56; plus strand). Cytogenetic location: 11p15.5.
Variant type: Duplication.
Identifiers: ClinVar variation 179613 (VCV000179613.4).